The following is an entry in ClinVar:

NM_006015.6(ARID1A):c.482_490del (p.Val161_Ala163del)

Gene: ARID1A (AT-rich interaction domain 1A; plus strand). Cytogenetic location: 1p36.11.
Variant type: Deletion.
Coding change: c.482_490del on transcript NM_006015.6 (MANE Select); coding-DNA positions 482 to 490, 9 bases deleted (TCGCCGCCG; older notation c.482_490delTCGCCGCCG).
Protein change: p.Val161_Ala163del.
Molecular consequence: inframe indel (on NM_006015.4).
Genome position (GRCh38, 1-based): chr1:26,696,885-26,696,893, TCGCCGCCG deleted; deleting any 9 consecutive bases within chr1:26,696,881-26,696,893 gives the same sequence; the c. name uses the placement nearest the transcript's 3' end. VCF-style (leftmost placement, unchanged base first): chr1-26696880-TGCCGTCGCC-T. GRCh37 (hg19) VCF-style: chr1-27023371-TGCCGTCGCC-T.
Other names: c.482_490delTCGCCGCCG, p.Val161_Ala163del (NM_006015.4); c.482_490del, p.Val161_Ala163del (NM_139135.4).
Identifiers: ClinVar variation 3363579 (VCV003363579.1).

ClinVar aggregate classification (germline): Uncertain significance (1 of 4 stars; one submission).

Submission:

GeneDx
Classification: Uncertain significance. Last evaluated: 2023-11-02. Review status: criteria provided, single submitter. Criteria: GeneDx Variant Classification Process June 2021. Collection method: clinical testing. Allele origin: germline. Affected: yes.
Comment: Not observed at significant frequency in large population cohorts (gnomAD); In-frame deletion of 3 amino acids in a non-repeat region; In silico analysis supports that this variant does not alter protein structure/function; Has not been previously published as pathogenic or benign to our knowledge